The following is an entry in ClinVar:

NM_001374828.1(ARID1B):c.4813_4821del (p.Gly1605_Pro1607del)

Gene: ARID1B (AT-rich interaction domain 1B; plus strand). Cytogenetic location: 6q25.3.
Variant type: Deletion.
Coding change: c.4813_4821del on transcript NM_001374828.1 (MANE Select); coding-DNA positions 4813 to 4821, 9 bases deleted (GGCGGCCCT; older notation c.4813_4821delGGCGGCCCT).
Protein change: p.Gly1605_Pro1607del.
Molecular consequence: inframe deletion.
Genome position (GRCh38, 1-based): chr6:157,201,038-157,201,046, GGCGGCCCT deleted; deleting any 9 consecutive bases within chr6:157,201,032-157,201,046 gives the same sequence; the c. name uses the placement nearest the transcript's 3' end. VCF-style (leftmost placement, unchanged base first): chr6-157201031-GGGCCCTGGC-G. GRCh37 (hg19) VCF-style: chr6-157522165-GGGCCCTGGC-G.
Other names: c.4444_4452del9 (NM_020732.3); c.2314_2322del, p.Gly772_Pro774del (NM_001363725.2); c.4693_4701del, p.Gly1565_Pro1567del (NM_001371656.1, NM_001374820.1); c.4942_4950del, p.Gly1648_Pro1650del (NM_001438482.1); c.4855_4863del, p.Gly1619_Pro1621del (NM_001438483.1); c.4723_4731del, p.Gly1575_Pro1577del (NM_001438485.1); c.4696_4704del, p.Gly1566_Pro1568del (NM_001438486.1); c.4633_4641del, p.Gly1545_Pro1547del (NM_001438487.1); and 2 more.
Identifiers: ClinVar variation 5000396 (VCV005000396.1).

ClinVar aggregate classification (germline): Uncertain significance (1 of 4 stars; one submission).

Conditions:
ARID1B-Related Disorder. Identifiers: MedGen CN381337.

Submission:

PreventionGenetics, part of Exact Sciences
Classification: Uncertain significance for ARID1B-related condition. Last evaluated: 2025-03-08. Review status: criteria provided, single submitter. Criteria: ACMG Guidelines, 2015. Collection method: clinical testing. Allele origin: germline.
Comment: The ARID1B c.4444_4452del9 variant is predicted to result in an in-frame deletion (p.Gly1482_Pro1484del). To our knowledge, this variant has not been reported in the literature or in a large population database (gnomAD), indicating this variant is rare. At this time, the clinical significance of this variant is uncertain due to the absence of conclusive functional and genetic evidence.